The following is an entry in ClinVar:

ClinVar aggregate classification (germline): Pathogenic. Review status: reviewed by expert panel (3 of 4 stars). 4 submissions from 4 submitters: Pathogenic (1). 3 of the submissions do not count toward it. Last evaluated 2016-10-18.

Conditions:
Hereditary cancer-predisposing syndrome. Also called: Tumor predisposition; Neoplastic Syndromes, Hereditary; Hereditary Cancer Syndrome; Hereditary neoplastic syndrome. Identifiers: Orphanet 140162, MedGen C0027672, MeSH D009386, MONDO:0015356.
Hereditary breast ovarian cancer syndrome. Also called: Hereditary breast and ovarian cancer syndrome (HBOC); Hereditary breast and ovarian cancer syndrome; Hereditary breast and ovarian cancer; Hereditary breast and/or ovarian cancer syndrome; Breast and ovarian cancer; BRCA1- and BRCA2-Associated Hereditary Breast and Ovarian Cancer. Identifiers: Orphanet 145, MedGen C0677776, MeSH D061325, MONDO:0003582. Disease mechanism: loss of function.
Breast-ovarian cancer, familial, susceptibility to, 1 (BROVCA1). Also called: OVARIAN CANCER, SUSCEPTIBILITY TO; BRCA1 Hereditary Breast and Ovarian Cancer. Identifiers: Orphanet 145, MedGen C2676676, MONDO:0011450, OMIM 604370. Disease mechanism: loss of function.

Submissions (4):

Evidence-based Network for the Interpretation of Germline Mutant Alleles (ENIGMA)
Classification: Pathogenic for Breast-ovarian cancer, familial, susceptibility to, 1. Last evaluated: 2016-10-18. Review status: reviewed by expert panel. Criteria: ENIGMA BRCA1/2 Classification Criteria (2015). Collection method: curation. Allele origin: germline.
Comment: Variant allele predicted to encode a truncated non-functional protein.

Labcorp Genetics (formerly Invitae), Labcorp
Classification: Pathogenic for Hereditary breast ovarian cancer syndrome. Last evaluated: 2025-06-10. Review status: criteria provided, single submitter. Criteria: Invitae Variant Classification Sherloc (09022015). Collection method: clinical testing. Allele origin: germline. Not counted in ClinVar's aggregate classification.
Comment: This sequence change creates a premature translational stop signal (p.Leu611*) in the BRCA1 gene. It is expected to result in an absent or disrupted protein product. Loss-of-function variants in BRCA1 are known to be pathogenic (PMID: 20104584). This variant is not present in population databases (gnomAD no frequency). This premature translational stop signal has been observed in individual(s) with breast and/or ovarian cancer (PMID: 19656164, 22798144). ClinVar contains an entry for this variant (Variation ID: 54366). For these reasons, this variant has been classified as Pathogenic.

Ambry Genetics
Classification: Pathogenic for Hereditary cancer-predisposing syndrome. Last evaluated: 2025-04-08. Review status: criteria provided, single submitter. Criteria: Ambry Variant Classification Scheme 2023. Collection method: clinical testing. Allele origin: germline. Not counted in ClinVar's aggregate classification.
Comment: The c.1831delC pathogenic mutation, located in coding exon 9 of the BRCA1 gene, results from a deletion of one nucleotide at nucleotide position 1831, causing a translational frameshift with a predicted alternate stop codon (p.L611*). This alteration has been reported in multiple breast and/or ovarian cancer patients from Korea (Seong MW et al. Clin. Genet. 2009 Aug;76:152-60; Kim H et al. Breast Cancer Res. Treat. 2012 Aug;134:1315-26; Kang E et al. Breast Cancer Res. Treat. 2015 May;151:157-68; Kim DH et al. J Gynecol Oncol. 2018 Nov;29:e90; Kwon BS et al. Cancer Res Treat. 2018 Oct). This alteration was also identified in a large, worldwide study of BRCA1/2 mutation positive families, specifically in two families from Korea (Rebbeck TR et al. Hum. Mutat. 2018 05;39:593-620). This variant is considered to be rare based on population cohorts in the Genome Aggregation Database (gnomAD). In addition to the clinical data presented in the literature, this alteration is expected to result in loss of function by premature protein truncation or nonsense-mediated mRNA decay. As such, this alteration is interpreted as a disease-causing mutation.

Consortium of Investigators of Modifiers of BRCA1/2 (CIMBA), c/o University of Cambridge
Classification: Pathogenic for Breast-ovarian cancer, familial, susceptibility to, 1. Last evaluated: 2015-10-02. Review status: criteria provided, single submitter. Criteria: CIMBA Mutation Classification guidelines May 2016. Collection method: clinical testing. Allele origin: germline. Not counted in ClinVar's aggregate classification.

Literature cited by the submitters: PubMed 20104584 (cited by Labcorp Genetics (formerly Invitae), Labcorp); PubMed 19656164 (cited by Labcorp Genetics (formerly Invitae), Labcorp and Ambry Genetics); PubMed 22798144 (cited by Labcorp Genetics (formerly Invitae), Labcorp and Ambry Genetics); PubMed 25863477 (cited by Ambry Genetics); PubMed 29446198 (cited by Ambry Genetics); PubMed 30207098 (cited by Ambry Genetics); PubMed 30309222 (cited by Ambry Genetics).

NM_007294.4(BRCA1):c.1831del (p.Arg610_Leu611insTer)

Gene: BRCA1 (BRCA1 DNA repair associated; minus strand). Cytogenetic location: 17q21.31.
Variant type: Deletion.
Coding change: c.1831del on transcript NM_007294.4 (MANE Select); coding-DNA position 1831, one base deleted (C; older notation c.1831delC).
Protein change: p.Arg610_Leu611insTer.
Molecular consequence: nonsense. On other transcripts: intron variant (137).
Genome position (GRCh38, 1-based): chr17:43,093,700, G deleted on the plus strand (C on the coding strand, the reverse complement: BRCA1 is on the minus strand). VCF-style (leftmost placement, unchanged base first): chr17-43093699-AG-A. GRCh37 (hg19) VCF-style: chr17-41245716-AG-A.
Other names: 1950delC; c.1618del, p.Arg539_Leu540insTer (NM_001407571.1, NM_001407853.1, NM_001407894.1 and 9 more transcripts); c.1831del, p.Arg610_Leu611insTer (NM_001407581.1, NM_001407582.1, NM_001407583.1 and 30 more transcripts); c.1828del, p.Arg609_Leu610insTer (NM_001407587.1, NM_001407590.1, NM_001407591.1 and 22 more transcripts); c.1822del, p.Arg607_Leu608insTer (NM_001407646.1, NM_001407647.1); c.1708del, p.Arg569_Leu570insTer (NM_001407648.1, NM_001407664.1, NM_001407665.1 and 19 more transcripts); c.1705del, p.Arg568_Leu569insTer (NM_001407649.1, NM_001407670.1, NM_001407671.1 and 11 more transcripts); c.1753del, p.Arg584_Leu585insTer (NM_001407653.1, NM_001407654.1, NM_001407655.1 and 4 more transcripts); and 41 more.
Identifiers: ClinVar variation 54366 (VCV000054366.18), dbSNP rs397508913, ClinGen allele CA001193.